The following is an entry in ClinVar:

NM_033026.6(PCLO):c.13030A>G (p.Ile4344Val)

Gene: PCLO (piccolo presynaptic cytomatrix protein; minus strand). Cytogenetic location: 7q21.11.
Variant type: single nucleotide variant.
Coding change: c.13030A>G on transcript NM_033026.6 (MANE Select); coding-DNA position 13030, A replaced by G.
Protein change: p.Ile4344Val; replaces isoleucine 4344 with valine.
Molecular consequence: missense variant.
Genome position (GRCh38, 1-based): chr7:82,914,956, T>C on the plus strand (A>G on the coding strand, the complement: PCLO is on the minus strand). VCF-style: chr7-82914956-T-C. GRCh37 (hg19) VCF-style: chr7-82544272-T-C.
Other names: c.13030A>G, p.Ile4344Val (NM_014510.3); short protein forms I4344V.
Identifiers: ClinVar variation 1440033 (VCV001440033.3), dbSNP rs372923895, ClinGen allele CA4319267.

ClinVar aggregate classification (germline): Uncertain significance (1 of 4 stars; one submission).

Allele frequency attached by ClinVar (database versions not stated): gnomAD 0.00006 and 0.00007; TOPMed 0.00007; ESP Exome Variant Server 0.00008; gnomAD exomes 0.00010; ExAC 0.00012; 1000 Genomes Project 30x 0.00016; 1000 Genomes Project 0.00020.
gnomAD v4.1: 40 of 1,613,734 alleles (0.0025%); highest among the groups gnomAD compares: Admixed American, 0.028%; no homozygotes.

Submission:

Labcorp Genetics (formerly Invitae), Labcorp
Classification: Uncertain significance. Last evaluated: 2022-04-02. Review status: criteria provided, single submitter. Criteria: Invitae Variant Classification Sherloc (09022015). Collection method: clinical testing. Allele origin: germline.
Comment: This sequence change replaces isoleucine, which is neutral and non-polar, with valine, which is neutral and non-polar, at codon 4344 of the PCLO protein (p.Ile4344Val). This variant is present in population databases (rs372923895, gnomAD 0.04%). This variant has not been reported in the literature in individuals affected with PCLO-related conditions. Algorithms developed to predict the effect of missense changes on protein structure and function are either unavailable or do not agree on the potential impact of this missense change (SIFT: "Deleterious"; PolyPhen-2: "Not Available"; Align-GVGD: "Class C0"). Algorithms developed to predict the effect of sequence changes on RNA splicing suggest that this variant may create or strengthen a splice site. In summary, the available evidence is currently insufficient to determine the role of this variant in disease. Therefore, it has been classified as a Variant of Uncertain Significance.